The following is an entry in ClinVar:

NM_033380.3(COL4A5):c.3479C>G (p.Pro1160Arg)

Gene: COL4A5 (collagen type IV alpha 5 chain; plus strand). Cytogenetic location: Xq22.3.
Variant type: single nucleotide variant.
Coding change: c.3479C>G on transcript NM_033380.3 (MANE Select); coding-DNA position 3479, C replaced by G.
Protein change: p.Pro1160Arg; replaces proline 1160 with arginine.
Molecular consequence: missense variant.
Genome position (GRCh38, 1-based): chrX:108,666,520, C>G. VCF-style: chrX-108666520-C-G. GRCh37 (hg19) VCF-style: chrX-107909750-C-G.
Other names: c.3479C>G, p.Pro1160Arg (NM_000495.5); short protein forms P1160R.
Identifiers: ClinVar variation 2199548 (VCV002199548.3), dbSNP rs1321195207, ClinGen allele CA413847714.

ClinVar aggregate classification (germline): Uncertain significance (1 of 4 stars; one submission).

Allele frequency attached by ClinVar (database versions not stated): gnomAD exomes below 0.00001; TOPMed 0.00002; gnomAD 0.00003.
gnomAD v4.1: 4 of 1,205,710 alleles (0.00033%); highest among the groups gnomAD compares: Non-Finnish European, 0.00045%; no homozygotes.

Submission:

Labcorp Genetics (formerly Invitae), Labcorp
Classification: Uncertain significance. Last evaluated: 2024-12-20. Review status: criteria provided, single submitter. Criteria: Invitae Variant Classification Sherloc (09022015). Collection method: clinical testing. Allele origin: germline.
Comment: This sequence change replaces proline, which is neutral and non-polar, with arginine, which is basic and polar, at codon 1160 of the COL4A5 protein (p.Pro1160Arg). This variant is present in population databases (no rsID available, gnomAD 0.009%). This variant has not been reported in the literature in individuals affected with COL4A5-related conditions. ClinVar contains an entry for this variant (Variation ID: 2199548). Invitae Evidence Modeling of protein sequence and biophysical properties (such as structural, functional, and spatial information, amino acid conservation, physicochemical variation, residue mobility, and thermodynamic stability) indicates that this missense variant is not expected to disrupt COL4A5 protein function with a negative predictive value of 95%. In summary, the available evidence is currently insufficient to determine the role of this variant in disease. Therefore, it has been classified as a Variant of Uncertain Significance.